The following is an entry in ClinVar:

ClinVar aggregate classification (germline): Uncertain significance. Review status: criteria provided, multiple submitters, no conflicts (2 of 4 stars). 2 submissions from 2 submitters: Uncertain significance (2). Last evaluated 2024-01-19.

Conditions:
Renal cell carcinoma. Identifiers: Orphanet 217071, MedGen C0007134, MeSH D002292, MONDO:0005086, HP:0005584.
Autosomal recessive nonsyndromic hearing loss 97. Also called: Deafness, autosomal recessive 97. Identifiers: Orphanet 90636, MedGen C4084709, MONDO:0014739, OMIM 616705.

Submissions (2):

Labcorp Genetics (formerly Invitae), Labcorp
Classification: Uncertain significance for Renal cell carcinoma. Last evaluated: 2024-01-19. Review status: criteria provided, single submitter. Criteria: Invitae Variant Classification Sherloc (09022015). Collection method: clinical testing. Allele origin: germline.
Comment: This sequence change replaces methionine, which is neutral and non-polar, with threonine, which is neutral and polar, at codon 463 of the MET protein (p.Met463Thr). This variant is not present in population databases (gnomAD no frequency). This variant has not been reported in the literature in individuals affected with MET-related conditions. Advanced modeling of protein sequence and biophysical properties (such as structural, functional, and spatial information, amino acid conservation, physicochemical variation, residue mobility, and thermodynamic stability) has been performed at Invitae for this missense variant, however the output from this modeling did not meet the statistical confidence thresholds required to predict the impact of this variant on MET protein function. In summary, the available evidence is currently insufficient to determine the role of this variant in disease. Therefore, it has been classified as a Variant of Uncertain Significance.

Baylor Genetics
Classification: Uncertain significance for Autosomal recessive nonsyndromic hearing loss 97. Last evaluated: 2023-12-15. Review status: criteria provided, single submitter. Criteria: ACMG Guidelines, 2015. Collection method: clinical testing. Allele origin: unknown.

NM_000245.4(MET):c.1388T>C (p.Met463Thr)

Gene: MET (MET proto-oncogene, receptor tyrosine kinase; plus strand). Cytogenetic location: 7q31.2.
Variant type: single nucleotide variant.
Coding change: c.1388T>C on transcript NM_000245.4 (MANE Select); coding-DNA position 1388, T replaced by C.
Protein change: p.Met463Thr; replaces methionine 463 with threonine.
Molecular consequence: missense variant.
Genome position (GRCh38, 1-based): chr7:116,731,855, T>C. VCF-style: chr7-116731855-T-C. GRCh37 (hg19) VCF-style: chr7-116371909-T-C.
Other names: c.1388T>C, p.Met463Thr (NM_001127500.3, NM_001324401.3); c.98T>C, p.Met33Thr (NM_001324402.2); short protein forms M33T, M463T.
Identifiers: ClinVar variation 2710228 (VCV002710228.4), dbSNP rs1584914382, ClinGen allele CA368973152.